The following is an entry in ClinVar:

NM_022773.4(LMF1):c.7C>T (p.Pro3Ser)

Genes: LMF1 (lipase maturation factor 1; minus strand), LOC130058141 (ATAC-STARR-seq lymphoblastoid silent region 6962; plus strand). Cytogenetic location: 16p13.3.
Variant type: single nucleotide variant.
Coding change: c.7C>T on transcript NM_022773.4 (MANE Select); coding-DNA position 7, C replaced by T.
Protein change: p.Pro3Ser; replaces proline 3 with serine.
Molecular consequence: missense variant. On other transcripts: 5 prime UTR variant (1), non-coding transcript variant (1), intron variant (3).
Genome position (GRCh38, 1-based): chr16:970,974, G>A on the plus strand (C>T on the coding strand, the complement: LMF1 is on the minus strand). VCF-style: chr16-970974-G-A. GRCh37 (hg19) VCF-style: chr16-1020974-G-A.
Other names: c.7C>T, p.Pro3Ser (NM_001352020.1); c.-699C>T (NM_001352021.2); c.-135+10171C>T (NM_001352019.2); c.-611+10171C>T (NM_001352017.2); c.-362+10171C>T (NM_001352018.2); short protein forms P3S.
Identifiers: ClinVar variation 4098533 (VCV004098533.1).

ClinVar aggregate classification (germline): Uncertain significance (1 of 4 stars; one submission).

Conditions:
Cardiovascular phenotype. Identifiers: MedGen CN230736.

Submission:

Ambry Genetics
Classification: Uncertain significance for Cardiovascular phenotype. Last evaluated: 2025-08-24. Review status: criteria provided, single submitter. Criteria: Ambry Variant Classification Scheme 2023. Collection method: clinical testing. Allele origin: germline.
Comment: The p.P3S variant (also known as c.7C>T), located in coding exon 1 of the LMF1 gene, results from a C to T substitution at nucleotide position 7. The proline at codon 3 is replaced by serine, an amino acid with similar properties. This amino acid position is conserved. In addition, this alteration is predicted to be tolerated by in silico analysis. Based on the available evidence, the clinical significance of this variant remains unclear.